The following is an entry in ClinVar:

NM_201253.3(CRB1):c.1755C>A (p.Asp585Glu)

Gene: CRB1 (crumbs cell polarity complex component 1; plus strand). Cytogenetic location: 1q31.3.
Variant type: single nucleotide variant.
Coding change: c.1755C>A on transcript NM_201253.3 (MANE Select); coding-DNA position 1755, C replaced by A.
Protein change: p.Asp585Glu; replaces aspartic acid 585 with glutamic acid.
Molecular consequence: missense variant. On other transcripts: non-coding transcript variant (1).
Genome position (GRCh38, 1-based): chr1:197,421,583, C>A. VCF-style: chr1-197421583-C-A. GRCh37 (hg19) VCF-style: chr1-197390713-C-A.
Other names: c.1419C>A, p.Asp473Glu (NM_001193640.2); c.1548C>A, p.Asp516Glu (NM_001257965.2); c.1755C>A, p.Asp585Glu (NM_001257966.2); short protein forms D516E, D585E, D473E.
Identifiers: ClinVar variation 1438550 (VCV001438550.6), dbSNP rs1034422363, ClinGen allele CA35893745.
Genomic context (GRCh38, chr1:197,421,583, plus strand): 5'-AGAGTGGCATTTCGTGGAGGTAATATTTGCAGAGGCTGTGACCCTTACCTTAATCGACGA[C>A]TCCTGTAAGGAGAAATGCATCGCGAAAGCTCCTACTCCACTTGAAAGTGATCAATCAATA-3'
Protein context (NP_957705.1, residues 575-595): AEAVTLTLID[Asp585Glu]SCKEKCIAKA

ClinVar aggregate classification (germline): Uncertain significance. Review status: criteria provided, multiple submitters, no conflicts (2 of 4 stars). 5 submissions from 3 submitters: Uncertain significance (5). Last evaluated 2023-04-11.

Conditions:
Retinitis pigmentosa 12 (RP12). Also called: RP WITH OR WITHOUT PPRPE; RP WITH OR WITHOUT PRESERVED PARAARTERIOLE RETINAL PIGMENT EPITHELIUM; RETINITIS PIGMENTOSA WITH OR WITHOUT PARAARTERIOLAR PRESERVATION OF RETINAL PIGMENT EPITHELIUM. Identifiers: Orphanet 791, MedGen C1838647, MONDO:0010818, OMIM 600105.
Leber congenital amaurosis 8 (LCA8). Identifiers: Orphanet 65, MedGen C3151202, MONDO:0013453, OMIM 613835.
Pigmented paravenous retinochoroidal atrophy. Identifiers: Orphanet 251295, MedGen C1868310, MONDO:0008246, OMIM 172870.

Allele frequency attached by ClinVar (database versions not stated): TOPMed below 0.00001.
gnomAD v4.1: 5 of 1,614,216 alleles (0.00031%); highest among the groups gnomAD compares: Non-Finnish European, 0.00034%; no homozygotes.

Submissions (5):

Genome-Nilou Lab
Classification: Uncertain significance for Leber congenital amaurosis 8. Last evaluated: 2023-04-11. Review status: criteria provided, single submitter. Criteria: ACMG Guidelines, 2015. Collection method: clinical testing. Allele origin: germline. Affected: no.

Genome-Nilou Lab
Classification: Uncertain significance for Pigmented paravenous retinochoroidal atrophy. Last evaluated: 2023-04-11. Review status: criteria provided, single submitter. Criteria: ACMG Guidelines, 2015. Collection method: clinical testing. Allele origin: germline. Affected: no.

Genome-Nilou Lab
Classification: Uncertain significance for Retinitis pigmentosa 12. Last evaluated: 2023-04-11. Review status: criteria provided, single submitter. Criteria: ACMG Guidelines, 2015. Collection method: clinical testing. Allele origin: germline. Affected: no.

Labcorp Genetics (formerly Invitae), Labcorp
Classification: Uncertain significance for Leber congenital amaurosis 8; Retinitis pigmentosa 12. Last evaluated: 2022-08-31. Review status: criteria provided, single submitter. Criteria: Invitae Variant Classification Sherloc (09022015). Collection method: clinical testing. Allele origin: germline.
Comment: This sequence change replaces aspartic acid, which is acidic and polar, with glutamic acid, which is acidic and polar, at codon 585 of the CRB1 protein (p.Asp585Glu). This variant is not present in population databases (gnomAD no frequency). This variant has not been reported in the literature in individuals affected with CRB1-related conditions. ClinVar contains an entry for this variant (Variation ID: 1438550). Advanced modeling of protein sequence and biophysical properties (such as structural, functional, and spatial information, amino acid conservation, physicochemical variation, residue mobility, and thermodynamic stability) performed at Invitae indicates that this missense variant is not expected to disrupt CRB1 protein function. In summary, the available evidence is currently insufficient to determine the role of this variant in disease. Therefore, it has been classified as a Variant of Uncertain Significance.

Fulgent Genetics
Classification: Uncertain significance for Pigmented paravenous retinochoroidal atrophy; Retinitis pigmentosa 12; Leber congenital amaurosis 8. Last evaluated: 2021-09-07. Review status: criteria provided, single submitter. Criteria: ACMG Guidelines, 2015. Collection method: clinical testing. Allele origin: unknown.